The following is an entry in ClinVar:

NM_001005498.4(RHBDF2):c.342C>G (p.Ser114Arg)

Gene: RHBDF2 (rhomboid 5 homolog 2; minus strand). Cytogenetic location: 17q25.1.
Variant type: single nucleotide variant.
Coding change: c.342C>G on transcript NM_001005498.4 (MANE Select); coding-DNA position 342, C replaced by G.
Protein change: p.Ser114Arg; replaces serine 114 with arginine.
Molecular consequence: missense variant. On other transcripts: non-coding transcript variant (3).
Genome position (GRCh38, 1-based): chr17:76,479,208, G>C on the plus strand (C>G on the coding strand, the complement: RHBDF2 is on the minus strand). VCF-style: chr17-76479208-G-C. GRCh37 (hg19) VCF-style: chr17-74475290-G-C.
Other names: c.342C>G, p.Ser114Arg (NM_001376228.1, NM_001376229.1, NM_001376230.1); c.429C>G, p.Ser143Arg (NM_024599.5); short protein forms S114R, S143R.
Identifiers: ClinVar variation 2887457 (VCV002887457.3), dbSNP rs369531656, ClinGen allele CA8787366.
Genomic context (GRCh38, chr17:76,479,208, plus strand): 5'-CTCCAGGTCACGCTGGCACGAGGCCTTCAGGCGGCCGTAGCGCATGCTGCAGTGGTGCAG[G>C]CTGCGGCGCTGCCACTGCTGCCGCTGCCCCTCCCAGTCGCCGCTGACTCCAAACCACTGG-3'
Protein context (NP_001005498.2, residues 104-124): EGQRQQWQRR[Ser114Arg]LHHCSMRYGR

ClinVar aggregate classification (germline): Uncertain significance (1 of 4 stars; one submission).

Allele frequency attached by ClinVar (database versions not stated): gnomAD exomes below 0.00001; ExAC 0.00001; TOPMed 0.00001; ESP Exome Variant Server 0.00008.

Submission:

Labcorp Genetics (formerly Invitae), Labcorp
Classification: Uncertain significance. Last evaluated: 2023-12-01. Review status: criteria provided, single submitter. Criteria: Invitae Variant Classification Sherloc (09022015). Collection method: clinical testing. Allele origin: germline.
Comment: This sequence change replaces serine, which is neutral and polar, with arginine, which is basic and polar, at codon 143 of the RHBDF2 protein (p.Ser143Arg). This variant is present in population databases (rs369531656, gnomAD 0.001%). This variant has not been reported in the literature in individuals affected with RHBDF2-related conditions. An algorithm developed to predict the effect of missense changes on protein structure and function (PolyPhen-2) suggests that this variant is likely to be disruptive. In summary, the available evidence is currently insufficient to determine the role of this variant in disease. Therefore, it has been classified as a Variant of Uncertain Significance.